The following is an entry in ClinVar:

NM_013352.4(DSE):c.121G>A (p.Asp41Asn)

Gene: DSE (dermatan sulfate epimerase; plus strand). Cytogenetic location: 6q22.1.
Variant type: single nucleotide variant.
Coding change: c.121G>A on transcript NM_013352.4 (MANE Select); coding-DNA position 121, G replaced by A.
Protein change: p.Asp41Asn; replaces aspartic acid 41 with asparagine.
Molecular consequence: missense variant. On other transcripts: 5 prime UTR variant (4), non-coding transcript variant (1).
Genome position (GRCh38, 1-based): chr6:116,399,371, G>A. VCF-style: chr6-116399371-G-A. GRCh37 (hg19) VCF-style: chr6-116720534-G-A.
Other names: c.121G>A, p.Asp41Asn (NM_001080976.3, NM_001322937.2, NM_001322938.2 and 3 more transcripts); c.178G>A, p.Asp60Asn (NM_001322939.2); c.-437G>A (NM_001322940.2, NM_001322941.2); c.-780G>A (NM_001374520.1); c.-467G>A (NM_001374521.1); c.121G>A (NM_013352.2); short protein forms D41N, D60N.
Identifiers: ClinVar variation 1000265 (VCV001000265.7), dbSNP rs754763310, ClinGen allele CA3969470.

ClinVar aggregate classification (germline): Uncertain significance. Review status: criteria provided, multiple submitters, no conflicts (2 of 4 stars). 2 submissions from 2 submitters: Uncertain significance (2). Last evaluated 2025-11-19.

Conditions:
Inborn genetic diseases. Identifiers: MedGen C0950123, MeSH D030342.
Ehlers-Danlos syndrome, musculocontractural type 2 (EDSMC2). Identifiers: Orphanet 2953, MedGen C3809845, MONDO:0014236, OMIM 615539.

Allele frequency attached by ClinVar (database versions not stated): ExAC 0.00002; TOPMed 0.00003; gnomAD exomes 0.00006 and 0.00003; gnomAD 0.00002.

Submissions (2):

Ambry Genetics
Classification: Uncertain significance for Inborn genetic diseases. Last evaluated: 2025-11-19. Review status: criteria provided, single submitter. Criteria: Ambry Variant Classification Scheme 2023. Collection method: clinical testing. Allele origin: germline.

Labcorp Genetics (formerly Invitae), Labcorp
Classification: Uncertain significance for Ehlers-Danlos syndrome, musculocontractural type 2. Last evaluated: 2022-06-09. Review status: criteria provided, single submitter. Criteria: Invitae Variant Classification Sherloc (09022015). Collection method: clinical testing. Allele origin: germline.
Comment: This sequence change replaces aspartic acid, which is acidic and polar, with asparagine, which is neutral and polar, at codon 41 of the DSE protein (p.Asp41Asn). This variant is present in population databases (rs754763310, gnomAD 0.03%). This variant has not been reported in the literature in individuals affected with DSE-related conditions. ClinVar contains an entry for this variant (Variation ID: 1000265). Algorithms developed to predict the effect of missense changes on protein structure and function are either unavailable or do not agree on the potential impact of this missense change (SIFT: "Not Available"; PolyPhen-2: "Benign"; Align-GVGD: "Not Available"). In summary, the available evidence is currently insufficient to determine the role of this variant in disease. Therefore, it has been classified as a Variant of Uncertain Significance.